The following is an entry in ClinVar:

ClinVar aggregate classification (germline): Uncertain significance (1 of 4 stars; one submission).

Submission:

Labcorp Genetics (formerly Invitae), Labcorp
Classification: Uncertain significance. Last evaluated: 2025-01-16. Review status: criteria provided, single submitter. Criteria: Invitae Variant Classification Sherloc (09022015). Collection method: clinical testing. Allele origin: germline.
Comment: This sequence change replaces arginine, which is basic and polar, with glycine, which is neutral and non-polar, at codon 802 of the MYO7A protein (p.Arg802Gly). This variant is not present in population databases (gnomAD no frequency). This variant has not been reported in the literature in individuals affected with MYO7A-related conditions. Invitae Evidence Modeling of protein sequence and biophysical properties (such as structural, functional, and spatial information, amino acid conservation, physicochemical variation, residue mobility, and thermodynamic stability) has been performed for this missense variant. However, the output from this modeling did not meet the statistical confidence thresholds required to predict the impact of this variant on MYO7A protein function. In summary, the available evidence is currently insufficient to determine the role of this variant in disease. Therefore, it has been classified as a Variant of Uncertain Significance.

NM_000260.4(MYO7A):c.2404C>G (p.Arg802Gly)

Gene: MYO7A (myosin VIIA; plus strand). Cytogenetic location: 11q13.5.
Variant type: single nucleotide variant.
Coding change: c.2404C>G on transcript NM_000260.4 (MANE Select); coding-DNA position 2404, C replaced by G.
Protein change: p.Arg802Gly; replaces arginine 802 with glycine.
Molecular consequence: missense variant.
Genome position (GRCh38, 1-based): chr11:77,179,771, C>G. VCF-style: chr11-77179771-C-G. GRCh37 (hg19) VCF-style: chr11-76890817-C-G.
Other names: c.2404C>G, p.Arg802Gly (NM_001127180.2); c.2371C>G, p.Arg791Gly (NM_001369365.1); short protein forms R791G, R802G.
Identifiers: ClinVar variation 3634256 (VCV003634256.2).